The following is an entry in ClinVar:

ClinVar aggregate classification (germline): Pathogenic. Review status: criteria provided, multiple submitters, no conflicts (2 of 4 stars). 2 submissions from 2 submitters: Pathogenic (2). Last evaluated 2021-09-02.

Conditions:
Marfan syndrome (MFS). Also called: MARFAN SYNDROME, TYPE I; FBN1-Related Marfan Syndrome; Marfan syndrome type 1; Marfan's syndrome; Marfan syndrome, classic. Identifiers: Orphanet 284963, Orphanet 558, MedGen C0024796, MONDO:0007947, OMIM 154700.

Submissions (2):

GeneDx
Classification: Pathogenic. Last evaluated: 2021-09-02. Review status: criteria provided, single submitter. Criteria: GeneDx Variant Classification Process June 2021. Collection method: clinical testing. Allele origin: germline. Affected: yes.
Comment: Not observed in large population cohorts (Lek et al., 2016); Nonsense variant predicted to result in protein truncation or nonsense mediated decay in a gene for which loss-of-function is a known mechanism of disease; This variant is associated with the following publications: (PMID: 21089071)

Centre of Medical Genetics, University of Antwerp
Classification: Pathogenic for Marfan syndrome. Last evaluated: 2021-03-01. Review status: criteria provided, single submitter. Criteria: Submitter's publication. Collection method: research. Allele origin: unknown. Affected: yes.
Comment: PM2, PVS1, PP4

NM_000138.5(FBN1):c.3757C>T (p.Gln1253Ter)

Gene: FBN1 (fibrillin 1; minus strand). Cytogenetic location: 15q21.1.
Variant type: single nucleotide variant.
Coding change: c.3757C>T on transcript NM_000138.5 (MANE Select); coding-DNA position 3757, C replaced by T.
Protein change: p.Gln1253Ter; replaces glutamine 1253 with a stop codon.
Molecular consequence: nonsense.
Genome position (GRCh38, 1-based): chr15:48,483,899, G>A on the plus strand (C>T on the coding strand, the complement: FBN1 is on the minus strand). VCF-style: chr15-48483899-G-A. GRCh37 (hg19) VCF-style: chr15-48776096-G-A.
Other names: short protein forms Q1253*.
Identifiers: ClinVar variation 429308 (VCV000429308.21), dbSNP rs1131691311, ClinGen allele CA392324001.